The following is an entry in ClinVar:

NM_052876.4(NACC1):c.1514G>A (p.Gly505Asp)

Gene: NACC1 (nucleus accumbens associated 1; plus strand). Cytogenetic location: 19p13.13.
Variant type: single nucleotide variant.
Coding change: c.1514G>A on transcript NM_052876.4 (MANE Select); coding-DNA position 1514, G replaced by A.
Protein change: p.Gly505Asp; replaces glycine 505 with aspartic acid.
Molecular consequence: missense variant.
Genome position (GRCh38, 1-based): chr19:13,138,336, G>A. VCF-style: chr19-13138336-G-A. GRCh37 (hg19) VCF-style: chr19-13249150-G-A.
Other names: short protein forms G505D.
Identifiers: ClinVar variation 1717128 (VCV001717128.5), dbSNP rs1398365093, ClinGen allele CA404330286.

ClinVar aggregate classification (germline): Uncertain significance (1 of 4 stars; one submission).

Allele frequency attached by ClinVar (database versions not stated): gnomAD exomes below 0.00001.
gnomAD v4.1: 1 of 1,614,036 alleles (0.000062%); highest among the groups gnomAD compares: Non-Finnish European, 0.000085%; no homozygotes.

Submission:

Labcorp Genetics (formerly Invitae), Labcorp
Classification: Uncertain significance. Last evaluated: 2022-08-20. Review status: criteria provided, single submitter. Criteria: Invitae Variant Classification Sherloc (09022015). Collection method: clinical testing. Allele origin: germline.
Comment: Algorithms developed to predict the effect of missense changes on protein structure and function are either unavailable or do not agree on the potential impact of this missense change (SIFT: "Deleterious"; PolyPhen-2: "Benign"; Align-GVGD: "Class C0"). In summary, the available evidence is currently insufficient to determine the role of this variant in disease. Therefore, it has been classified as a Variant of Uncertain Significance. This variant has not been reported in the literature in individuals affected with NACC1-related conditions. This variant is present in population databases (no rsID available, gnomAD no frequency). This sequence change replaces glycine, which is neutral and non-polar, with aspartic acid, which is acidic and polar, at codon 505 of the NACC1 protein (p.Gly505Asp).